The following is an entry in ClinVar:

NM_030923.5(TMEM163):c.784C>G (p.Leu262Val)

Gene: TMEM163 (transmembrane protein 163; minus strand). Cytogenetic location: 2q21.3.
Variant type: single nucleotide variant.
Coding change: c.784C>G on transcript NM_030923.5 (MANE Select); coding-DNA position 784, C replaced by G.
Protein change: p.Leu262Val; replaces leucine 262 with valine.
Molecular consequence: missense variant.
Genome position (GRCh38, 1-based): chr2:134,458,057, G>C on the plus strand (C>G on the coding strand, the complement: TMEM163 is on the minus strand). VCF-style: chr2-134458057-G-C. GRCh37 (hg19) VCF-style: chr2-135215628-G-C.
Other names: short protein forms L262V.
Identifiers: ClinVar variation 3178925 (VCV003178925.3), dbSNP rs1686441400, ClinGen allele CA348559704.

ClinVar aggregate classification (germline): Uncertain significance. Review status: criteria provided, multiple submitters, no conflicts (2 of 4 stars). 2 submissions from 2 submitters: Uncertain significance (2). Last evaluated 2025-06-26.

Conditions:
Leukodystrophy, hypomyelinating, 25 (HLD25). Identifiers: MedGen C5830275, MONDO:0859378, OMIM 620243.

Allele frequency attached by ClinVar (database versions not stated): gnomAD exomes below 0.00001.
gnomAD v4.1: 1 of 1,614,168 alleles (0.000062%); highest among the groups gnomAD compares: Non-Finnish European, 0.000085%; no homozygotes.

Submissions (2):

Dasa
Classification: Uncertain significance for Leukodystrophy, hypomyelinating, 25. Last evaluated: 2025-06-26. Review status: criteria provided, single submitter. Criteria: DASA Assertion Criteria. Collection method: clinical testing. Allele origin: germline.
Comment: NM_030923.5(TMEM163):c.784C>G (p.Leu262Val) is a missense variant that results in the substitution of leucine with valine. This variant is rare in population databases. Computational prediction algorithms are consistent with a benign effect. The currently available literature and clinical evidence are not sufficient to establish a definitive association between this variant and the reported condition. Therefore, this variant is classified as a variant of uncertain significance.

Ambry Genetics
Classification: Uncertain significance. Last evaluated: 2023-10-28. Review status: criteria provided, single submitter. Criteria: Ambry Variant Classification Scheme 2023. Collection method: clinical testing. Allele origin: germline.